The following is an entry in ClinVar:

ClinVar aggregate classification (germline): Uncertain significance (1 of 4 stars; one submission).

Allele frequency attached by ClinVar (database versions not stated): ExAC 0.00002; gnomAD exomes 0.00002 and 0.00004; gnomAD 0.00003 and 0.00004.
gnomAD v4.1: 71 of 1,614,048 alleles (0.0044%); highest among the groups gnomAD compares: East Asian, 0.0089%; no homozygotes.

Submission:

Labcorp Genetics (formerly Invitae), Labcorp
Classification: Uncertain significance. Last evaluated: 2024-04-08. Review status: criteria provided, single submitter. Criteria: Invitae Variant Classification Sherloc (09022015). Collection method: clinical testing. Allele origin: germline.
Comment: This sequence change replaces threonine, which is neutral and polar, with methionine, which is neutral and non-polar, at codon 126 of the SHPK protein (p.Thr126Met). This variant is present in population databases (rs772517886, gnomAD 0.005%). This variant has not been reported in the literature in individuals affected with SHPK-related conditions. ClinVar contains an entry for this variant (Variation ID: 1400752). An algorithm developed to predict the effect of missense changes on protein structure and function (PolyPhen-2) suggests that this variant is likely to be disruptive. In summary, the available evidence is currently insufficient to determine the role of this variant in disease. Therefore, it has been classified as a Variant of Uncertain Significance.

NM_013276.4(SHPK):c.377C>T (p.Thr126Met)

Genes: SHPK (sedoheptulokinase; minus strand), LOC126862464 (MED14-independent group 3 enhancer GRCh37_chr17:3526895-3528094; plus strand). Cytogenetic location: 17p13.2.
Variant type: single nucleotide variant.
Coding change: c.377C>T on transcript NM_013276.4 (MANE Select); coding-DNA position 377, C replaced by T.
Protein change: p.Thr126Met; replaces threonine 126 with methionine.
Molecular consequence: missense variant.
Genome position (GRCh38, 1-based): chr17:3,624,165, G>A on the plus strand (C>T on the coding strand, the complement: SHPK is on the minus strand). VCF-style: chr17-3624165-G-A. GRCh37 (hg19) VCF-style: chr17-3527459-G-A.
Other names: short protein forms T126M.
Identifiers: ClinVar variation 1400752 (VCV001400752.6), dbSNP rs772517886, ClinGen allele CA8291351.
Genomic context (GRCh38, chr17:3,624,165, plus strand): 5'-TGAGACTTCGGCTGGGGCAGAGAGGCCAGGAATTCGCTGCTACATCGGCCATCCTGCCAC[G>A]TGACCAGGTGGCTAACAGCTCGGGGCTCGAACACCGGGGTAATCCCTCCCTCTGTCCATT-3'
Protein context (NP_037408.2, residues 116-136): FEPRAVSHLV[Thr126Met]WQDGRCSSEF